The following is an entry in ClinVar:

ClinVar aggregate classification (germline): Pathogenic (1 of 4 stars; one submission).

Conditions:
Familial cancer of breast. Also called: Hereditary breast cancer; BREAST CANCER, FAMILIAL; hereditary breast carcinoma. Identifiers: Orphanet 227535, MedGen C0346153, MONDO:0016419, OMIM 114480. Disease mechanism: loss of function.

Submission:

Labcorp Genetics (formerly Invitae), Labcorp
Classification: Pathogenic for Familial cancer of breast. Last evaluated: 2023-06-02. Review status: criteria provided, single submitter. Criteria: Invitae Variant Classification Sherloc (09022015). Collection method: clinical testing. Allele origin: germline.
Comment: This sequence change creates a premature translational stop signal (p.Leu96*) in the CHEK2 gene. It is expected to result in an absent or disrupted protein product. Loss-of-function variants in CHEK2 are known to be pathogenic (PMID: 21876083, 24713400). This variant is not present in population databases (gnomAD no frequency). This variant has not been reported in the literature in individuals affected with CHEK2-related conditions. For these reasons, this variant has been classified as Pathogenic.

Literature cited by the submitters: PubMed 21876083; PubMed 24713400.

NM_007194.4(CHEK2):c.287T>G (p.Leu96Ter)

Gene: CHEK2 (checkpoint kinase 2; minus strand). Cytogenetic location: 22q12.1.
Variant type: single nucleotide variant.
Coding change: c.287T>G on transcript NM_007194.4 (MANE Select); coding-DNA position 287, T replaced by G.
Protein change: p.Leu96Ter; replaces leucine 96 with a stop codon.
Molecular consequence: nonsense.
Genome position (GRCh38, 1-based): chr22:28,734,435, A>C on the plus strand (T>G on the coding strand, the complement: CHEK2 is on the minus strand). VCF-style: chr22-28734435-A-C. GRCh37 (hg19) VCF-style: chr22-29130423-A-C.
Other names: c.287T>G, p.Leu96Ter (NM_001005735.3, NM_001349956.3, NM_145862.3); c.-491T>G (NM_001257387.3); short protein forms L96*.
Identifiers: ClinVar variation 2757107 (VCV002757107.3), dbSNP rs1569169965, ClinGen allele CA411090344.